The following is an entry in ClinVar:

ClinVar aggregate classification (germline): Likely benign. Review status: criteria provided, multiple submitters, no conflicts (2 of 4 stars). 2 submissions from 2 submitters: Likely benign (2). Last evaluated 2025-01-25.

Conditions:
Developmental and epileptic encephalopathy 94 (DEE94). Also called: Epileptic encephalopathy, childhood-onset; CHD2-Related Neurodevelopmental Disorders. Identifiers: Orphanet 1942, Orphanet 2382, MedGen C3809278, MONDO:0014150, OMIM 615369.

Allele frequency attached by ClinVar (database versions not stated): gnomAD 0.00003; TOPMed 0.00006.
gnomAD v4.1: 39 of 1,560,734 alleles (0.0025%); highest among the groups gnomAD compares: Admixed American, 0.0034%; no homozygotes.

Submissions (2):

Labcorp Genetics (formerly Invitae), Labcorp
Classification: Likely benign for Developmental and epileptic encephalopathy 94. Last evaluated: 2025-01-25. Review status: criteria provided, single submitter. Criteria: Invitae Variant Classification Sherloc (09022015). Collection method: clinical testing. Allele origin: germline.

GeneDx
Classification: Likely benign. Last evaluated: 2017-01-17. Review status: criteria provided, single submitter. Criteria: GeneDx Variant Classification (06012015). Collection method: clinical testing. Allele origin: germline. Affected: yes.
Comment: This variant is considered likely benign or benign based on one or more of the following criteria: it is a conservative change, it occurs at a poorly conserved position in the protein, it is predicted to be benign by multiple in silico algorithms, and/or has population frequency not consistent with disease.

NM_001271.4(CHD2):c.62+19C>A

Gene: CHD2 (chromodomain helicase DNA binding protein 2; plus strand). Cytogenetic location: 15q26.1.
Variant type: single nucleotide variant.
Coding change: c.62+19C>A on transcript NM_001271.4 (MANE Select); 19 bases into the intron after coding-DNA position 62, C replaced by A.
Molecular consequence: intron variant.
Genome position (GRCh38, 1-based): chr15:92,901,318, C>A. VCF-style: chr15-92901318-C-A. GRCh37 (hg19) VCF-style: chr15-93444548-C-A.
Other names: c.62+19C>A (NM_001042572.3).
Identifiers: ClinVar variation 385208 (VCV000385208.9), dbSNP rs748026656, ClinGen allele CA7747398.